The following is an entry in ClinVar:

NM_021096.4(CACNA1I):c.2398G>A (p.Asp800Asn)

Gene: CACNA1I (calcium voltage-gated channel subunit alpha1 I; plus strand). Cytogenetic location: 22q13.1.
Variant type: single nucleotide variant.
Coding change: c.2398G>A on transcript NM_021096.4 (MANE Select); coding-DNA position 2398, G replaced by A.
Protein change: p.Asp800Asn; replaces aspartic acid 800 with asparagine.
Molecular consequence: missense variant.
Genome position (GRCh38, 1-based): chr22:39,659,500, G>A. VCF-style: chr22-39659500-G-A. GRCh37 (hg19) VCF-style: chr22-40055505-G-A.
Other names: c.2293G>A, p.Asp765Asn (NM_001003406.2); short protein forms D765N, D800N.
Identifiers: ClinVar variation 4851377 (VCV004851377.1).

ClinVar aggregate classification (germline): Likely benign (1 of 4 stars; one submission).

Conditions:
Neurodevelopmental disorder with speech impairment and with or without seizures. Also called: Neurodevelopmental disorder with variable intellectual disability and speech impairment, with or without seizures. Identifiers: MedGen C5774252, MONDO:0859313, OMIM 620114.

gnomAD v4.1: 64 of 1,592,768 alleles (0.004%); highest among the groups gnomAD compares: South Asian, 0.049%; no homozygotes.

Submission:

Centre for Medical Genetics,  Mumbai
Classification: Likely benign for Neurodevelopmental disorder with speech impairment and with or without seizures. Last evaluated: 2026-04-14. Review status: criteria provided, single submitter. Criteria: ACMG Guidelines, 2015. Collection method: provider interpretation. Allele origin: germline. Inheritance: Autosomal dominant inheritance. Affected: no. Observed: 1 variant allele, 1 heterozygote.
Comment: The variant satisfies PM2 criteria - extremely low frequency in gnomAD population databases. The variant satisfies PP3 criteria - for a missense or a splicing region variant, computational prediction tools unanimously support a deleterious effect on the gene. The variant satisfies PP2 criteria - missense variant in a gene with low rate of benign missense mutations and for which missense mutation is a common mechanism of a disease. However, the variant satisfies BS2 criteria - present in heterozygous state in an individual that clinically does not have neurodevelopmental disorder with speech impairment.

Literature cited by the submitters: PubMed 33704440.